The following is an entry in ClinVar:

NM_021096.4(CACNA1I):c.6269G>T (p.Gly2090Val)

Gene: CACNA1I (calcium voltage-gated channel subunit alpha1 I; plus strand). Cytogenetic location: 22q13.1.
Variant type: single nucleotide variant.
Coding change: c.6269G>T on transcript NM_021096.4 (MANE Select); coding-DNA position 6269, G replaced by T.
Protein change: p.Gly2090Val; replaces glycine 2090 with valine.
Molecular consequence: missense variant.
Genome position (GRCh38, 1-based): chr22:39,686,002, G>T. VCF-style: chr22-39686002-G-T. GRCh37 (hg19) VCF-style: chr22-40082007-G-T.
Other names: c.6164G>T, p.Gly2055Val (NM_001003406.2); short protein forms G2055V, G2090V.
Identifiers: ClinVar variation 4795779 (VCV004795779.1).

ClinVar aggregate classification (germline): Uncertain significance (1 of 4 stars; one submission).

gnomAD v4.1: 2 of 1,244,786 alleles (0.00016%); highest among the groups gnomAD compares: African/African-American, 0.0031%; no homozygotes.

Submission:

GeneDx
Classification: Uncertain significance. Last evaluated: 2025-08-12. Review status: criteria provided, single submitter. Criteria: GeneDx Variant Classification Process June 2021. Collection method: clinical testing. Allele origin: germline. Affected: yes.
Comment: Not observed at significant frequency in large population cohorts (gnomAD); In silico analysis suggests that this missense variant does not alter protein structure/function; Has not been previously published as pathogenic or benign to our knowledge